The following is an entry in ClinVar:

ClinVar aggregate classification (germline): Likely benign. Review status: criteria provided, single submitter (1 of 4 stars). 2 submissions from 2 submitters: Likely benign (1). 1 of the submissions does not count toward it. Last evaluated 2025-07-30.

Conditions:
Nephronophthisis. Also called: Juvenile Nephronophthisis. Identifiers: Orphanet 655, MedGen C0687120, MONDO:0019005, HP:0000090.
INVS-related disorder. Also called: INVS-related condition.

Allele frequency attached by ClinVar (database versions not stated): ESP Exome Variant Server 0.00008.
gnomAD v4.1: 3 of 1,613,966 alleles (0.00019%); highest among the groups gnomAD compares: African/African-American, 0.0027%; no homozygotes.

Submissions (2):

Labcorp Genetics (formerly Invitae), Labcorp
Classification: Likely benign for Nephronophthisis. Last evaluated: 2025-07-30. Review status: criteria provided, single submitter. Criteria: Invitae Variant Classification Sherloc (09022015). Collection method: clinical testing. Allele origin: germline.

PreventionGenetics, part of Exact Sciences
Classification: Likely benign for INVS-related condition. Last evaluated: 2023-05-22. Review status: no assertion criteria provided. Collection method: clinical testing. Allele origin: germline. Not counted in ClinVar's aggregate classification.
Comment: This variant is classified as likely benign based on ACMG/AMP sequence variant interpretation guidelines (Richards et al. 2015 PMID: 25741868, with internal and published modifications).

NM_014425.5(INVS):c.2652C>A (p.Leu884=)

Gene: INVS (inversin; plus strand). Cytogenetic location: 9q31.1.
Variant type: single nucleotide variant.
Coding change: c.2652C>A on transcript NM_014425.5 (MANE Select); coding-DNA position 2652, C replaced by A.
Protein change: p.Leu884=; no amino-acid change (leucine 884 retained).
Molecular consequence: synonymous variant. On other transcripts: non-coding transcript variant (1).
Genome position (GRCh38, 1-based): chr9:100,292,909, C>A. VCF-style: chr9-100292909-C-A. GRCh37 (hg19) VCF-style: chr9-103055191-C-A.
Other names: c.2364C>A, p.Leu788= (NM_001318381.2); c.1674C>A, p.Leu558= (NM_001318382.2); c.2652C>A (NM_014425.4).
Identifiers: ClinVar variation 2009055 (VCV002009055.6), dbSNP rs115556532, ClinGen allele CA5158668.